The following is an entry in ClinVar:

NM_025114.4(CEP290):c.6042T>C (p.Val2014=)

Gene: CEP290 (centrosomal protein 290; minus strand). Cytogenetic location: 12q21.32.
Variant type: single nucleotide variant.
Coding change: c.6042T>C on transcript NM_025114.4 (MANE Select); coding-DNA position 6042, T replaced by C.
Protein change: p.Val2014=; no amino-acid change (valine 2014 retained).
Molecular consequence: synonymous variant.
Genome position (GRCh38, 1-based): chr12:88,068,615, A>G on the plus strand (T>C on the coding strand, the complement: CEP290 is on the minus strand). VCF-style: chr12-88068615-A-G. GRCh37 (hg19) VCF-style: chr12-88462392-A-G.
Other names: c.6042T>C (NM_025114.3).
Identifiers: ClinVar variation 1559998 (VCV001559998.9), dbSNP rs2035125225, ClinGen allele CA481071704.

ClinVar aggregate classification (germline): Likely benign. Review status: criteria provided, multiple submitters, no conflicts (2 of 4 stars). 2 submissions from 2 submitters: Likely benign (2). Last evaluated 2026-08-31.

Conditions:
CEP290-related disorder. Also called: CEP290-related disorders; CEP290-related condition. Identifiers: MedGen CN239314.
Joubert syndrome. Also called: Familial aplasia of the vermis; JOUBERT-BOLTSHAUSER SYNDROME. Identifiers: Orphanet 475, MedGen C5979921, MONDO:0018772.
Meckel-Gruber syndrome. Also called: Dysencephalia splachnocystica; DYSENCEPHALIA SPLANCHNOCYSTICA; GRUBER SYNDROME. Identifiers: Orphanet 564, MedGen C0265215, MONDO:0018921.
Nephronophthisis. Also called: Juvenile Nephronophthisis. Identifiers: Orphanet 655, MedGen C0687120, MONDO:0019005, HP:0000090.

Submissions (2):

PreventionGenetics, part of Exact Sciences
Classification: Likely benign for CEP290-related condition. Last evaluated: 2026-08-31. Review status: criteria provided, single submitter. Criteria: ACMG Guidelines, 2015. Collection method: clinical testing. Allele origin: germline.
Comment: This variant is classified as likely benign based on ACMG/AMP sequence variant interpretation guidelines (Richards et al. 2015 PMID: 25741868, with internal and published modifications).

Labcorp Genetics (formerly Invitae), Labcorp
Classification: Likely benign for Joubert syndrome; Meckel-Gruber syndrome; Nephronophthisis. Last evaluated: 2023-07-07. Review status: criteria provided, single submitter. Criteria: Invitae Variant Classification Sherloc (09022015). Collection method: clinical testing. Allele origin: germline.